The following is an entry in ClinVar:

ClinVar aggregate classification (germline): Pathogenic (1 of 4 stars; one submission).

Submission:

Labcorp Genetics (formerly Invitae), Labcorp
Classification: Pathogenic. Last evaluated: 2022-02-02. Review status: criteria provided, single submitter. Criteria: Invitae Variant Classification Sherloc (09022015). Collection method: clinical testing. Allele origin: germline.
Comment: For these reasons, this variant has been classified as Pathogenic. This premature translational stop signal has been observed in individual(s) with retinitis pigmentosa (PMID: 30582903). This variant is not present in population databases (gnomAD no frequency). This sequence change creates a premature translational stop signal (p.Asn131Metfs*67) in the PRPF31 gene. It is expected to result in an absent or disrupted protein product. Loss-of-function variants in PRPF31 are known to be pathogenic (PMID: 18317597, 23950152).

Literature cited by the submitters: PubMed 30582903; PubMed 18317597; PubMed 23950152.

NM_015629.4(PRPF31):c.390del (p.Asn131fs)

Genes: PRPF31 (pre-mRNA processing factor 31; plus strand), PRPF31-AS1 (PRPF31 antisense RNA 1; minus strand). Cytogenetic location: 19q13.42.
Variant type: Deletion.
Coding change: c.390del on transcript NM_015629.4 (MANE Select); coding-DNA position 390, one base deleted (C; older notation c.390delC).
Protein change: p.Asn131fs; shifts the reading frame from asparagine 131.
Molecular consequence: frameshift variant.
Genome position (GRCh38, 1-based): chr19:54,122,564, C deleted; the last of 4 consecutive C bases (chr19:54,122,561-54,122,564); deleting any one gives the same sequence. VCF-style (leftmost placement, unchanged base first): chr19-54122560-TC-T. GRCh37 (hg19) VCF-style: chr19-54625939-TC-T.
Other names: short protein forms N131fs.
Identifiers: ClinVar variation 1459888 (VCV001459888.6), dbSNP rs2146413440, ClinGen allele CA2573156800.